The following is an entry in ClinVar:

NM_022437.3(ABCG8):c.1829GAA[1] (p.Arg611del)

Gene: ABCG8 (ATP binding cassette subfamily G member 8; plus strand). Cytogenetic location: 2p21.
Variant type: Microsatellite.
Coding change: c.1829GAA[1] on transcript NM_022437.3 (MANE Select); one copy of the 3-base unit GAA starting at c.1829; the reference has two copies in a row; one copy, 3 bases deleted; also written c.1832_1834del.
Protein change: p.Arg611del; deletes arginine 611.
Molecular consequence: inframe deletion.
Genome position (GRCh38, 1-based): chr2:43,877,636-43,877,638, GAA deleted; deleting any 3 consecutive bases within chr2:43,877,632-43,877,638 gives the same sequence; the position shown is the placement nearest the transcript's 3' end. VCF-style (leftmost placement, unchanged base first): chr2-43877631-CAGA-C. GRCh37 (hg19) VCF-style: chr2-44104770-CAGA-C.
Other names: c.1826GAA[1], p.Arg610del (NM_001357321.2); c.1832_1834delGAA (NM_022437.3); c.1832_1834del (NM_022437.3); short protein forms R610del, R611del.
Identifiers: ClinVar variation 1597858 (VCV001597858.14), dbSNP rs767706636, ClinGen allele CA1637675.

ClinVar aggregate classification (germline): Conflicting classifications of pathogenicity. Review status: criteria provided, conflicting classifications (1 of 4 stars). 5 submissions from 5 submitters: Uncertain significance (3); Likely benign (1). 1 of the submissions does not count toward it. Last evaluated 2026-05-26.

Conditions:
Sitosterolemia (STSL). Also called: PHYTOSTEROLEMIA. Identifiers: Orphanet 2882, MedGen C0342907, MONDO:0008863.
ABCG8-related disorder. Also called: ABCG8-related condition.
Sitosterolemia 1. Identifiers: MedGen C2749759, MONDO:0020747, OMIM 210250.

Submissions (5):

Women's Health and Genetics/Laboratory Corporation of America, LabCorp
Classification: Uncertain significance. Last evaluated: 2026-05-26. Review status: criteria provided, single submitter. Criteria: LabCorp Variant Classification Summary - May 2015. Collection method: clinical testing. Allele origin: germline.
Comment: Variant summary: ABCG8 c.1832_1834delGAA (p.Arg611del) results in an in-frame deletion that is predicted to remove 1 amino acid from the encoded protein. The variant allele was found at a frequency of 0.00045 in 251446 control chromosomes. This frequency is not significantly higher than estimated for disease-causing variants in ABCG8, allowing no conclusion about variant significance. c.1832_1834delGAA has been observed in individual(s) affected with ABCG8-related conditions (Atava_2024). These report(s) do not provide unequivocal conclusions about association of the variant with disease. To our knowledge, no experimental evidence demonstrating an impact on protein function has been reported. The following publication has been ascertained in the context of this evaluation (PMID: 39769230). ClinVar contains an entry for this variant (Variation ID: 1597858). Based on the evidence outlined above, the variant was classified as uncertain significance.

Department of Cardiology, Mackay Memorial Hospital
Classification: Uncertain significance for Sitosterolemia. Last evaluated: 2026-03-05. Review status: criteria provided, single submitter. Criteria: ACMG Guidelines, 2015. Collection method: clinical testing. Allele origin: germline. Affected: yes.
Comment: The ABCG8 NM_022437.3.1832_1834del variant is an in-frame deletion affecting the coding sequence near the C-terminal region of the protein. Available clinical evidence is limited, and a definitive association with ABCG8-related disease has not been established. In addition, there is currently insufficient functional or segregation evidence to determine whether this alteration adversely affects ABCG8 protein function. Therefore, the available evidence is insufficient to establish either a pathogenic or benign role, and NM_022437.3.1832_1834del is classified as a variant of uncertain significance (VUS).

Labcorp Genetics (formerly Invitae), Labcorp
Classification: Likely benign. Last evaluated: 2025-12-17. Review status: criteria provided, single submitter. Criteria: Invitae Variant Classification Sherloc (09022015). Collection method: clinical testing. Allele origin: germline.

Revvity Omics, Revvity
Classification: Uncertain significance for Sitosterolemia 1. Last evaluated: 2024-11-12. Review status: criteria provided, single submitter. Criteria: ACMG Guidelines, 2015. Collection method: clinical testing. Allele origin: germline.

PreventionGenetics, part of Exact Sciences
Classification: Likely benign for ABCG8-related condition. Last evaluated: 2022-12-15. Review status: no assertion criteria provided. Collection method: clinical testing. Allele origin: germline. Not counted in ClinVar's aggregate classification.
Comment: This variant is classified as likely benign based on ACMG/AMP sequence variant interpretation guidelines (Richards et al. 2015 PMID: 25741868, with internal and published modifications).

Literature cited by the submitters: PubMed 39769230 (cited by Women's Health and Genetics/Laboratory Corporation of America, LabCorp); PubMed 38299163 (cited by Department of Cardiology, Mackay Memorial Hospital).